The following is an entry in ClinVar:

ClinVar aggregate classification (germline): Uncertain significance (1 of 4 stars; one submission).

Allele frequency attached by ClinVar (database versions not stated): TOPMed below 0.00001.

Submission:

Labcorp Genetics (formerly Invitae), Labcorp
Classification: Uncertain significance. Last evaluated: 2022-08-28. Review status: criteria provided, single submitter. Criteria: Invitae Variant Classification Sherloc (09022015). Collection method: clinical testing. Allele origin: germline.
Comment: In summary, the available evidence is currently insufficient to determine the role of this variant in disease. Therefore, it has been classified as a Variant of Uncertain Significance. Algorithms developed to predict the effect of missense changes on protein structure and function are either unavailable or do not agree on the potential impact of this missense change (SIFT: "Deleterious"; PolyPhen-2: "Benign"; Align-GVGD: "Class C25"). This variant has not been reported in the literature in individuals affected with TECTA-related conditions. This variant is not present in population databases (gnomAD no frequency). This sequence change replaces valine, which is neutral and non-polar, with alanine, which is neutral and non-polar, at codon 1456 of the TECTA protein (p.Val1456Ala).

NM_005422.4(TECTA):c.4367T>C (p.Val1456Ala)

Genes: TBCEL-TECTA (TBCEL-TECTA readthrough; plus strand), TECTA (tectorin alpha; plus strand). Cytogenetic location: 11q23.3.
Variant type: single nucleotide variant.
Coding change: c.4367T>C on transcript NM_005422.4 (MANE Select); coding-DNA position 4367, T replaced by C.
Protein change: p.Val1456Ala; replaces valine 1456 with alanine.
Molecular consequence: missense variant.
Genome position (GRCh38, 1-based): chr11:121,157,902, T>C. VCF-style: chr11-121157902-T-C. GRCh37 (hg19) VCF-style: chr11-121028611-T-C.
Other names: c.5324T>C, p.Val1775Ala (NM_001378761.1); short protein forms V1775A, V1456A.
Identifiers: ClinVar variation 2093676 (VCV002093676.4), dbSNP rs1295518259, ClinGen allele CA383026722.